The following is an entry in ClinVar:

ClinVar aggregate classification (germline): Pathogenic (1 of 4 stars; one submission).

Conditions:
Salla disease (SD). Also called: Sialuria, Finnish type; N-acetylneuraminic acid (NANA) storage disease (NSD); Infantile sialic acid storage disorder (ISSD); Less Severe FSASD (Salla Disease). Identifiers: Orphanet 309334, Orphanet 834, MedGen C1096903, MONDO:0011449, OMIM 604369.

Submission:

Labcorp Genetics (formerly Invitae), Labcorp
Classification: Pathogenic for Salla disease. Last evaluated: 2022-02-24. Review status: criteria provided, single submitter. Criteria: Invitae Variant Classification Sherloc (09022015). Collection method: clinical testing. Allele origin: germline.
Comment: For these reasons, this variant has been classified as Pathogenic. This variant has not been reported in the literature in individuals affected with SLC17A5-related conditions. A gross deletion of the genomic region encompassing the full coding sequence of the SLC17A5 gene has been identified. Loss-of-function variants in SLC17A5 are known to be pathogenic (PMID: 10581036, 10947946, 15172001). The boundaries of this event are unknown as they extend beyond the assayed region for this gene and therefore may encompass additional genes.

Literature cited by the submitters: PubMed 10581036; PubMed 10947946; PubMed 15172001.

NC_000006.11:g.(?_72596727)_(74363609_?)del

Genes: KHDC1 (KH domain containing 1; minus strand), KHDC1L (KH domain containing 1 like; minus strand), CGAS (cyclic GMP-AMP synthase; minus strand), DDX43 (DEAD-box helicase 43; plus strand), DPPA5 (developmental pluripotency associated 5; minus strand) and 7 more. Cytogenetic location: 6q13.
Variant type: Deletion.
Identifiers: ClinVar variation 1071718 (VCV001071718.6).